The following is an entry in ClinVar:

NM_005228.5(EGFR):c.532A>G (p.Met178Val)

Gene: EGFR (epidermal growth factor receptor; plus strand). Cytogenetic location: 7p11.2.
Variant type: single nucleotide variant.
Coding change: c.532A>G on transcript NM_005228.5 (MANE Select); coding-DNA position 532, A replaced by G.
Protein change: p.Met178Val; replaces methionine 178 with valine.
Molecular consequence: missense variant. On other transcripts: intron variant (3).
Genome position (GRCh38, 1-based): chr7:55,146,713, A>G. VCF-style: chr7-55146713-A-G. GRCh37 (hg19) VCF-style: chr7-55214406-A-G.
Other names: c.532A>G, p.Met178Val (NM_001346898.2, NM_201282.2, NM_201283.2 and 1 more transcripts); c.373A>G, p.Met125Val (NM_001346900.2); c.424+3225A>G (NM_001346899.2, NM_001346897.2); c.89-9117A>G (NM_001346941.2); short protein forms M178V, M125V.
Identifiers: ClinVar variation 858342 (VCV000858342.9), dbSNP rs1219334377, ClinGen allele CA367576698.

ClinVar aggregate classification (germline): Conflicting classifications of pathogenicity. Review status: criteria provided, conflicting classifications (1 of 4 stars). 2 submissions from 2 submitters: Uncertain significance (1); Likely benign (1). Last evaluated 2025-03-02.

Conditions:
Hereditary cancer-predisposing syndrome. Also called: Tumor predisposition; Hereditary neoplastic syndrome; Neoplastic Syndromes, Hereditary; Hereditary Cancer Syndrome. Identifiers: Orphanet 140162, MedGen C0027672, MeSH D009386, MONDO:0015356.
EGFR-related lung cancer (EGFR). Identifiers: MedGen CN130014.

Allele frequency attached by ClinVar (database versions not stated): gnomAD exomes below 0.00001.

Submissions (2):

Ambry Genetics
Classification: Likely benign for Hereditary cancer-predisposing syndrome. Last evaluated: 2025-03-02. Review status: criteria provided, single submitter. Criteria: Ambry Variant Classification Scheme 2023. Collection method: clinical testing. Allele origin: germline.

Labcorp Genetics (formerly Invitae), Labcorp
Classification: Uncertain significance for EGFR-related lung cancer. Last evaluated: 2024-04-22. Review status: criteria provided, single submitter. Criteria: Invitae Variant Classification Sherloc (09022015). Collection method: clinical testing. Allele origin: germline.
Comment: This sequence change replaces methionine, which is neutral and non-polar, with valine, which is neutral and non-polar, at codon 178 of the EGFR protein (p.Met178Val). This variant is present in population databases (no rsID available, gnomAD 0.0009%). This variant has not been reported in the literature in individuals affected with EGFR-related conditions. ClinVar contains an entry for this variant (Variation ID: 858342). Algorithms developed to predict the effect of missense changes on protein structure and function output the following: SIFT: "Not Available"; PolyPhen-2: "Benign"; Align-GVGD: "Not Available". The valine amino acid residue is found in multiple mammalian species, which suggests that this missense change does not adversely affect protein function. In summary, the available evidence is currently insufficient to determine the role of this variant in disease. Therefore, it has been classified as a Variant of Uncertain Significance.